The following is an entry in ClinVar:

NM_007294.4(BRCA1):c.358G>C (p.Asp120His)

Gene: BRCA1 (BRCA1 DNA repair associated; minus strand). Cytogenetic location: 17q21.31.
Variant type: single nucleotide variant.
Coding change: c.358G>C on transcript NM_007294.4 (MANE Select); coding-DNA position 358, G replaced by C.
Protein change: p.Asp120His; replaces aspartic acid 120 with histidine.
Molecular consequence: missense variant. On other transcripts: 5 prime UTR variant (7), intron variant (2).
Genome position (GRCh38, 1-based): chr17:43,104,205, C>G on the plus strand (G>C on the coding strand, the complement: BRCA1 is on the minus strand). VCF-style: chr17-43104205-C-G. GRCh37 (hg19) VCF-style: chr17-41256222-C-G.
Other names: c.280G>C, p.Asp94His (NM_001408409.1, NM_001408411.1, NM_001408412.1 and 21 more transcripts); c.217G>C, p.Asp73His (NM_001408410.1, NM_001407728.1, NM_001407729.1 and 99 more transcripts); c.358G>C, p.Asp120His (NM_001408419.1, NM_001408420.1, NM_001408418.1 and 164 more transcripts); c.148G>C, p.Asp50His (NM_001407853.1, NM_001407879.1, NM_001407881.1 and 58 more transcripts); c.-24G>C (NM_001407959.1, NM_001407960.1, NM_001407962.1 and 4 more transcripts); c.349G>C, p.Asp117His (NM_001408408.1, NM_001407646.1, NM_001407647.1); c.226G>C, p.Asp76His (NM_001408451.1); c.-218-9345G>C (NM_001407967.1, NM_001407966.1); short protein forms D117H, D120H, D50H, D73H, D76H, D94H.
Identifiers: ClinVar variation 4800872 (VCV004800872.1).

ClinVar aggregate classification (germline): Uncertain significance (1 of 4 stars; one submission).

Conditions:
Hereditary breast ovarian cancer syndrome. Also called: Hereditary breast and ovarian cancer syndrome (HBOC); Hereditary breast and ovarian cancer; Breast and ovarian cancer; Hereditary breast and/or ovarian cancer syndrome; BRCA1- and BRCA2-Associated Hereditary Breast and Ovarian Cancer; Hereditary breast and ovarian cancer syndrome. Identifiers: Orphanet 145, MedGen C0677776, MeSH D061325, MONDO:0003582. Disease mechanism: loss of function.

Submission:

Labcorp Genetics (formerly Invitae), Labcorp
Classification: Uncertain significance for Hereditary breast ovarian cancer syndrome. Last evaluated: 2025-07-02. Review status: criteria provided, single submitter. Criteria: Invitae Variant Classification Sherloc (09022015). Collection method: clinical testing. Allele origin: germline.
Comment: This sequence change replaces aspartic acid, which is acidic and polar, with histidine, which is basic and polar, at codon 120 of the BRCA1 protein (p.Asp120His). This variant is not present in population databases (gnomAD no frequency). This variant has not been reported in the literature in individuals affected with BRCA1-related conditions. Invitae Evidence Modeling of protein sequence and biophysical properties (such as structural, functional, and spatial information, amino acid conservation, physicochemical variation, residue mobility, and thermodynamic stability) indicates that this missense variant is not expected to disrupt BRCA1 protein function with a negative predictive value of 80%. In summary, the available evidence is currently insufficient to determine the role of this variant in disease. Therefore, it has been classified as a Variant of Uncertain Significance.